The following is an entry in ClinVar:

NM_006950.3(SYN1):c.1556C>T (p.Ala519Val)

Gene: SYN1 (synapsin I; minus strand). Cytogenetic location: Xp11.3.
Variant type: single nucleotide variant.
Coding change: c.1556C>T on transcript NM_006950.3 (MANE Select); coding-DNA position 1556, C replaced by T.
Protein change: p.Ala519Val; replaces alanine 519 with valine.
Molecular consequence: missense variant.
Genome position (GRCh38, 1-based): chrX:47,574,428, G>A on the plus strand (C>T on the coding strand, the complement: SYN1 is on the minus strand). VCF-style: chrX-47574428-G-A. GRCh37 (hg19) VCF-style: chrX-47433827-G-A.
Other names: c.1556C>T, p.Ala519Val (NM_133499.2); short protein forms A519V.
Identifiers: ClinVar variation 2196804 (VCV002196804.4), dbSNP rs2519684977, ClinGen allele CA412823358.

ClinVar aggregate classification (germline): Uncertain significance (1 of 4 stars; one submission).

Conditions:
Epilepsy, X-linked 1, with variable learning disabilities and behavior disorders. Also called: X-linked epilepsy-learning disabilities-behavior disorders syndrome. Identifiers: Orphanet 85294, MedGen C5774177, MONDO:0010339, OMIM 300491.

Allele frequency attached by ClinVar (database versions not stated): gnomAD exomes 0.00001.
gnomAD v4.1: 2 of 1,036,766 alleles (0.00019%); highest among the groups gnomAD compares: Middle Eastern, 0.073%; no homozygotes.

Submission:

Labcorp Genetics (formerly Invitae), Labcorp
Classification: Uncertain significance for Epilepsy, X-linked 1, with variable learning disabilities and behavior disorders. Last evaluated: 2022-10-17. Review status: criteria provided, single submitter. Criteria: Invitae Variant Classification Sherloc (09022015). Collection method: clinical testing. Allele origin: germline.
Comment: In summary, the available evidence is currently insufficient to determine the role of this variant in disease. Therefore, it has been classified as a Variant of Uncertain Significance. Algorithms developed to predict the effect of missense changes on protein structure and function output the following: SIFT: "Tolerated"; PolyPhen-2: "Not Available"; Align-GVGD: "Class C0". The valine amino acid residue is found in multiple mammalian species, which suggests that this missense change does not adversely affect protein function. This variant has not been reported in the literature in individuals affected with SYN1-related conditions. The frequency data for this variant in the population databases is considered unreliable, as metrics indicate insufficient coverage at this position in the gnomAD database. This sequence change replaces alanine, which is neutral and non-polar, with valine, which is neutral and non-polar, at codon 519 of the SYN1 protein (p.Ala519Val).